The following is an entry in ClinVar:

NM_024577.4(SH3TC2):c.2615T>C (p.Val872Ala)

Gene: SH3TC2 (SH3 domain and tetratricopeptide repeats 2; minus strand). Cytogenetic location: 5q32.
Variant type: single nucleotide variant.
Coding change: c.2615T>C on transcript NM_024577.4 (MANE Select); coding-DNA position 2615, T replaced by C.
Protein change: p.Val872Ala; replaces valine 872 with alanine.
Molecular consequence: missense variant.
Genome position (GRCh38, 1-based): chr5:149,027,117, A>G on the plus strand (T>C on the coding strand, the complement: SH3TC2 is on the minus strand). VCF-style: chr5-149027117-A-G. GRCh37 (hg19) VCF-style: chr5-148406680-A-G.
Other names: short protein forms V872A.
Identifiers: ClinVar variation 1934280 (VCV001934280.2), dbSNP rs1754079050, ClinGen allele CA361666000.

ClinVar aggregate classification (germline): Uncertain significance (1 of 4 stars; one submission).

Conditions:
Charcot-Marie-Tooth disease type 4. Also called: Charcot-Marie-Tooth disease, type IV; Charcot-Marie-Tooth, Type 4. Identifiers: Orphanet 64749, MedGen C4082197, MONDO:0018995.

Allele frequency attached by ClinVar (database versions not stated): gnomAD exomes 0.00001.
gnomAD v4.1: 16 of 1,614,140 alleles (0.00099%); highest among the groups gnomAD compares: Non-Finnish European, 0.0014%; no homozygotes.

Submission:

Labcorp Genetics (formerly Invitae), Labcorp
Classification: Uncertain significance for Charcot-Marie-Tooth disease type 4. Last evaluated: 2022-08-22. Review status: criteria provided, single submitter. Criteria: Invitae Variant Classification Sherloc (09022015). Collection method: clinical testing. Allele origin: germline.
Comment: This sequence change replaces valine, which is neutral and non-polar, with alanine, which is neutral and non-polar, at codon 872 of the SH3TC2 protein (p.Val872Ala). This variant is not present in population databases (gnomAD no frequency). This variant has not been reported in the literature in individuals affected with SH3TC2-related conditions. Advanced modeling of protein sequence and biophysical properties (such as structural, functional, and spatial information, amino acid conservation, physicochemical variation, residue mobility, and thermodynamic stability) performed at Invitae indicates that this missense variant is not expected to disrupt SH3TC2 protein function. In summary, the available evidence is currently insufficient to determine the role of this variant in disease. Therefore, it has been classified as a Variant of Uncertain Significance.